The following is an entry in ClinVar:

ClinVar aggregate classification (germline): Uncertain significance. Review status: criteria provided, multiple submitters, no conflicts (2 of 4 stars). 2 submissions from 2 submitters: Uncertain significance (2). Last evaluated 2024-04-25.

Conditions:
Adams-Oliver syndrome 5 (AOS5). Identifiers: Orphanet 974, MedGen C4014970, MONDO:0014459, OMIM 616028.

Submissions (2):

Labcorp Genetics (formerly Invitae), Labcorp
Classification: Uncertain significance for Adams-Oliver syndrome 5. Last evaluated: 2024-04-25. Review status: criteria provided, single submitter. Criteria: Invitae Variant Classification Sherloc (09022015). Collection method: clinical testing. Allele origin: germline.
Comment: This sequence change replaces lysine, which is basic and polar, with asparagine, which is neutral and polar, at codon 1461 of the NOTCH1 protein (p.Lys1461Asn). This variant is not present in population databases (gnomAD no frequency). This variant has not been reported in the literature in individuals affected with NOTCH1-related conditions. ClinVar contains an entry for this variant (Variation ID: 1372643). Advanced modeling of protein sequence and biophysical properties (such as structural, functional, and spatial information, amino acid conservation, physicochemical variation, residue mobility, and thermodynamic stability) performed at Invitae indicates that this missense variant is not expected to disrupt NOTCH1 protein function with a negative predictive value of 80%. In summary, the available evidence is currently insufficient to determine the role of this variant in disease. Therefore, it has been classified as a Variant of Uncertain Significance.

Clinical Genetics Laboratory, Skane University Hospital Lund
Classification: Uncertain significance. Last evaluated: 2022-05-27. Review status: criteria provided, single submitter. Criteria: ACMG Guidelines, 2015. Collection method: clinical testing. Allele origin: germline. Affected: yes.

NM_017617.5(NOTCH1):c.4383G>T (p.Lys1461Asn)

Gene: NOTCH1 (notch receptor 1; minus strand). Cytogenetic location: 9q34.3.
Variant type: single nucleotide variant.
Coding change: c.4383G>T on transcript NM_017617.5 (MANE Select); coding-DNA position 4383, G replaced by T.
Protein change: p.Lys1461Asn; replaces lysine 1461 with asparagine.
Molecular consequence: missense variant.
Genome position (GRCh38, 1-based): chr9:136,505,513, C>A on the plus strand (G>T on the coding strand, the complement: NOTCH1 is on the minus strand). VCF-style: chr9-136505513-C-A. GRCh37 (hg19) VCF-style: chr9-139399965-C-A.
Other names: c.4383G>T (NM_017617.3); short protein forms K1461N.
Identifiers: ClinVar variation 1372643 (VCV001372643.7), dbSNP rs2133339457, ClinGen allele CA375647920.